The following is an entry in ClinVar:

ClinVar aggregate classification (germline): Uncertain significance (1 of 4 stars; one submission).

Conditions:
Inborn genetic diseases. Identifiers: MedGen C0950123, MeSH D030342.

gnomAD v4.1: 1 of 1,612,902 alleles (0.000062%); highest among the groups gnomAD compares: African/African-American, 0.0013%; no homozygotes.

Submission:

Ambry Genetics
Classification: Uncertain significance for Inborn genetic diseases. Last evaluated: 2024-11-23. Review status: criteria provided, single submitter. Criteria: Ambry Variant Classification Scheme 2023. Collection method: clinical testing. Allele origin: germline.
Comment: The p.K144R variant (also known as c.431A>G), located in coding exon 5 of the FANCA gene, results from an A to G substitution at nucleotide position 431. The lysine at codon 144 is replaced by arginine, an amino acid with highly similar properties. This amino acid position is conserved. In addition, this alteration is predicted to be tolerated by in silico analysis. Based on the available evidence, the clinical significance of this variant remains unclear.

NM_000135.4(FANCA):c.431A>G (p.Lys144Arg)

Gene: FANCA (FA complementation group A; minus strand). Cytogenetic location: 16q24.3.
Variant type: single nucleotide variant.
Coding change: c.431A>G on transcript NM_000135.4 (MANE Select); coding-DNA position 431, A replaced by G.
Protein change: p.Lys144Arg; replaces lysine 144 with arginine.
Molecular consequence: missense variant. On other transcripts: intron variant (1).
Genome position (GRCh38, 1-based): chr16:89,810,798, T>C on the plus strand (A>G on the coding strand, the complement: FANCA is on the minus strand). VCF-style: chr16-89810798-T-C. GRCh37 (hg19) VCF-style: chr16-89877206-T-C.
Other names: c.431A>G, p.Lys144Arg (NM_001018112.3, NM_001286167.3); c.426+131A>G (NM_001351830.2); short protein forms K144R.
Identifiers: ClinVar variation 3512654 (VCV003512654.1).
Genomic context (GRCh38, chr16:89,810,798, plus strand): 5'-AGACGGGAGAACATACTGTGTGCCAATAAATACTGAGCAAACTCTAACAGGGAAGACAGC[T>C]TCTTCTGAAAAGAGAGATTACATTTTTTAAAAAACAAATTACCTGAAACAATACTAAAGC-3'
Protein context (NP_000126.2, residues 134-154): PVLLTVEQRK[Lys144Arg]LSSLLEFAQY